The following is an entry in ClinVar:

ClinVar aggregate classification (germline): Conflicting classifications of pathogenicity. Review status: criteria provided, conflicting classifications (1 of 4 stars). 6 submissions from 5 submitters: Uncertain significance (2); Likely benign (3). 1 of the submissions does not count toward it. Last evaluated 2026-04-02.

Conditions:
Malignant hyperthermia, susceptibility to, 1 (MHS1). Also called: Malignant hyperthermia suceptibility 1; RYR1-Related Malignant Hyperthermia Susceptibility; Anesthesia related hyperthermia; Malignant hyperpyrexia; Fulminating hyperpyrexia; Pharmacogenic myopathy. Identifiers: Orphanet 423, MedGen C2930980, MONDO:0007783, OMIM 145600.
Congenital multicore myopathy with external ophthalmoplegia (CMYO1B). Also called: Minicore myopathy with external ophthalmoplegia; MULTICORE MYOPATHY; MULTIMINICORE DISEASE WITH EXTERNAL OPHTHALMOPLEGIA; Congenital myopathy 1B, autosomal recessive; Minicore myopathy. Identifiers: Orphanet 598, Orphanet 98905, MedGen C1850674, MONDO:0009712, OMIM 255320, HP:0003789.
RYR1-related disorder. Also called: RYR1-related disorders; RYR1-related condition. Identifiers: MedGen CN239331.

Allele frequency attached by ClinVar (database versions not stated): gnomAD 0.00012 and 0.00009; 1000 Genomes Project 0.00080; TOPMed 0.00006; ExAC 0.00019; 1000 Genomes Project 30x 0.00094; gnomAD exomes 0.00022.
gnomAD v4.1: 79 of 1,613,640 alleles (0.0049%); highest among the groups gnomAD compares: East Asian, 0.15%; 1 homozygote.

Submissions (6):

GeneDx
Classification: Uncertain significance. Last evaluated: 2026-04-02. Review status: criteria provided, single submitter. Criteria: GeneDx Variant Classification Process June 2021. Collection method: clinical testing. Allele origin: germline.
Comment: In silico analysis supports that this missense variant has a deleterious effect on protein structure/function; Has not been previously published as pathogenic or benign to our knowledge

Labcorp Genetics (formerly Invitae), Labcorp
Classification: Likely benign for RYR1-related disorder. Last evaluated: 2026-01-05. Review status: criteria provided, single submitter. Criteria: Invitae Variant Classification Sherloc (09022015). Collection method: clinical testing. Allele origin: germline.

Color Diagnostics, LLC DBA Color Health
Classification: Likely benign for Malignant hyperthermia, susceptibility to, 1. Last evaluated: 2022-05-05. Review status: criteria provided, single submitter. Criteria: ACMG Guidelines, 2015. Collection method: clinical testing. Allele origin: germline.

Illumina Laboratory Services, Illumina
Classification: Likely benign for Malignant hyperthermia, susceptibility to, 1. Last evaluated: 2018-01-13. Review status: criteria provided, single submitter. Criteria: ICSL Variant Classification Criteria 13 December 2019. Collection method: clinical testing. Allele origin: germline.
Comment: This variant was observed in the ICSL laboratory as part of a predisposition screen in an ostensibly healthy population. It had not been previously curated by ICSL or reported in the Human Gene Mutation Database (HGMD: prior to June 1st, 2018), and was therefore a candidate for classification through an automated scoring system. Utilizing variant allele frequency, disease prevalence and penetrance estimates, and inheritance mode, an automated score was calculated to assess if this variant is too frequent to cause the disease. Based on the score and internal cut-off values, a variant classified as likely benign is not then subjected to further curation. The score for this variant resulted in a classification of likely benign for this disease.

Illumina Laboratory Services, Illumina
Classification: Uncertain significance for Congenital multicore myopathy with external ophthalmoplegia. Last evaluated: 2018-01-13. Review status: criteria provided, single submitter. Criteria: ICSL Variant Classification Criteria 13 December 2019. Collection method: clinical testing. Allele origin: germline.

PreventionGenetics, part of Exact Sciences
Classification: Likely benign for RYR1-related condition. Last evaluated: 2024-09-08. Review status: no assertion criteria provided. Collection method: clinical testing. Allele origin: germline. Not counted in ClinVar's aggregate classification.
Comment: This variant is classified as likely benign based on ACMG/AMP sequence variant interpretation guidelines (Richards et al. 2015 PMID: 25741868, with internal and published modifications).

NM_000540.3(RYR1):c.5321C>T (p.Pro1774Leu)

Gene: RYR1 (ryanodine receptor 1; plus strand). Cytogenetic location: 19q13.2.
Variant type: single nucleotide variant.
Coding change: c.5321C>T on transcript NM_000540.3 (MANE Select); coding-DNA position 5321, C replaced by T.
Protein change: p.Pro1774Leu; replaces proline 1774 with leucine.
Molecular consequence: missense variant.
Genome position (GRCh38, 1-based): chr19:38,485,976, C>T. VCF-style: chr19-38485976-C-T. GRCh37 (hg19) VCF-style: chr19-38976616-C-T.
Other names: c.5321C>T, p.Pro1774Leu (NM_001042723.2); short protein forms P1774L.
Identifiers: ClinVar variation 329035 (VCV000329035.19), dbSNP rs199837883, ClinGen allele CA066879.